The following is an entry in ClinVar:

ClinVar aggregate classification (germline): Uncertain significance (1 of 4 stars; one submission).

Submission:

Labcorp Genetics (formerly Invitae), Labcorp
Classification: Uncertain significance. Last evaluated: 2025-03-18. Review status: criteria provided, single submitter. Criteria: Invitae Variant Classification Sherloc (09022015). Collection method: clinical testing. Allele origin: germline.
Comment: This sequence change affects the initiator methionine of the UCP2 mRNA. The next in-frame methionine is located at codon 63. This variant is present in population databases (rs147381195, gnomAD 0.002%). This variant has not been reported in the literature in individuals affected with UCP2-related conditions. Experimental studies and prediction algorithms are not available or were not evaluated, and the functional significance of this variant is currently unknown. In summary, the available evidence is currently insufficient to determine the role of this variant in disease. Therefore, it has been classified as a Variant of Uncertain Significance.

NM_003355.3(UCP2):c.1A>G (p.Met1Val)

Gene: UCP2 (uncoupling protein 2; minus strand). Cytogenetic location: 11q13.4.
Variant type: single nucleotide variant.
Coding change: c.1A>G on transcript NM_003355.3 (MANE Select); coding-DNA position 1, A replaced by G.
Protein change: p.Met1Val; changes the start codon (methionine 1).
Molecular consequence: missense variant, initiator codon variant.
Genome position (GRCh38, 1-based): chr11:73,978,378, T>C on the plus strand (A>G on the coding strand, the complement: UCP2 is on the minus strand). VCF-style: chr11-73978378-T-C. GRCh37 (hg19) VCF-style: chr11-73689423-T-C.
Other names: c.1A>G, p.Met1Val (NM_001381943.1, NM_001381944.1, NM_001381945.1 and 4 more transcripts); short protein forms M1V.
Identifiers: ClinVar variation 4701614 (VCV004701614.1).